The following is an entry in ClinVar:

ClinVar aggregate classification (germline): Uncertain significance. Review status: criteria provided, multiple submitters, no conflicts (2 of 4 stars). 2 submissions from 2 submitters: Uncertain significance (2). Last evaluated 2025-11-03.

Conditions:
Hereditary cancer-predisposing syndrome. Also called: Tumor predisposition; Hereditary neoplastic syndrome; Hereditary Cancer Syndrome; Neoplastic Syndromes, Hereditary. Identifiers: Orphanet 140162, MedGen C0027672, MeSH D009386, MONDO:0015356.
Microcephaly, normal intelligence and immunodeficiency (NBS). Also called: Immunodeficiency, microcephaly with normal intelligence; Ataxia telangiectasia variant V1; IMMUNODEFICIENCY, MICROCEPHALY, AND CHROMOSOMAL INSTABILITY; SEEMANOVA SYNDROME II; Nijmegen breakage syndrome; Microcephaly with normal intelligence immunodeficiency and lymphoreticular malignancies. Identifiers: Orphanet 647, MedGen C0398791, MONDO:0009623, OMIM 251260.

Submissions (2):

Ambry Genetics
Classification: Uncertain significance for Hereditary cancer-predisposing syndrome. Last evaluated: 2025-11-03. Review status: criteria provided, single submitter. Criteria: Ambry Variant Classification Scheme 2023. Collection method: clinical testing. Allele origin: germline.
Comment: The p.F688L variant (also known as c.2064C>A), located in coding exon 13 of the NBN gene, results from a C to A substitution at nucleotide position 2064. The phenylalanine at codon 688 is replaced by leucine, an amino acid with highly similar properties. This amino acid position is conserved. In addition, this alteration is predicted to be deleterious by in silico analysis. Based on the available evidence, the clinical significance of this variant remains unclear.

Labcorp Genetics (formerly Invitae), Labcorp
Classification: Uncertain significance for Microcephaly, normal intelligence and immunodeficiency. Last evaluated: 2022-07-22. Review status: criteria provided, single submitter. Criteria: Invitae Variant Classification Sherloc (09022015). Collection method: clinical testing. Allele origin: germline.
Comment: This sequence change replaces phenylalanine, which is neutral and non-polar, with leucine, which is neutral and non-polar, at codon 688 of the NBN protein (p.Phe688Leu). This variant is not present in population databases (gnomAD no frequency). This variant has not been reported in the literature in individuals affected with NBN-related conditions. Algorithms developed to predict the effect of missense changes on protein structure and function are either unavailable or do not agree on the potential impact of this missense change (SIFT: "Deleterious"; PolyPhen-2: "Probably Damaging"; Align-GVGD: "Class C0"). In summary, the available evidence is currently insufficient to determine the role of this variant in disease. Therefore, it has been classified as a Variant of Uncertain Significance.

NM_002485.5(NBN):c.2064C>A (p.Phe688Leu)

Gene: NBN (nibrin; minus strand). Cytogenetic location: 8q21.3.
Variant type: single nucleotide variant.
Coding change: c.2064C>A on transcript NM_002485.5 (MANE Select); coding-DNA position 2064, C replaced by A.
Protein change: p.Phe688Leu; replaces phenylalanine 688 with leucine.
Molecular consequence: missense variant.
Genome position (GRCh38, 1-based): chr8:89,946,146, G>T on the plus strand (C>A on the coding strand, the complement: NBN is on the minus strand). VCF-style: chr8-89946146-G-T. GRCh37 (hg19) VCF-style: chr8-90958374-G-T.
Other names: c.1818C>A, p.Phe606Leu (NM_001024688.3); short protein forms F688L, F606L.
Identifiers: ClinVar variation 1964009 (VCV001964009.3), dbSNP rs1810174298, ClinGen allele CA371676327.